The following is an entry in ClinVar:

ClinVar aggregate classification (germline): Uncertain significance (1 of 4 stars; one submission).

Submission:

Labcorp Genetics (formerly Invitae), Labcorp
Classification: Uncertain significance. Last evaluated: 2022-09-27. Review status: criteria provided, single submitter. Criteria: Invitae Variant Classification Sherloc (09022015). Collection method: clinical testing. Allele origin: germline.
Comment: In summary, the available evidence is currently insufficient to determine the role of this variant in disease. Therefore, it has been classified as a Variant of Uncertain Significance. Experimental studies and prediction algorithms are not available or were not evaluated, and the functional significance of this variant is currently unknown. This variant has not been reported in the literature in individuals affected with HK1-related conditions. This variant results in a copy number gain of the genomic region encompassing exon(s) 18 of the HK1 gene. This region includes the termination codon of the gene. This copy number gain extends beyond the assayed region for this gene and therefore may encompass additional genes. As the precise location of this event is unknown, it may be in tandem or it may be located elsewhere in the genome.

NC_000010.10:g.(?_71160727)_(71160891_?)dup

Gene: HK1 (hexokinase 1; plus strand). Cytogenetic location: 10q22.1.
Variant type: Duplication.
Identifiers: ClinVar variation 1470176 (VCV001470176.5).